The following is an entry in ClinVar:

ClinVar aggregate classification (germline): Uncertain significance (1 of 4 stars; one submission).

Conditions:
Hereditary cancer-predisposing syndrome. Also called: Hereditary Cancer Syndrome; Hereditary neoplastic syndrome; Neoplastic Syndromes, Hereditary; Tumor predisposition. Identifiers: Orphanet 140162, MedGen C0027672, MeSH D009386, MONDO:0015356.

gnomAD v4.1: 1 of 1,608,830 alleles (0.000062%); highest among the groups gnomAD compares: Non-Finnish European, 0.000085%; no homozygotes.

Submission:

Ambry Genetics
Classification: Uncertain significance for Hereditary cancer-predisposing syndrome. Last evaluated: 2022-04-13. Review status: criteria provided, single submitter. Criteria: Ambry Variant Classification Scheme 2023. Collection method: clinical testing. Allele origin: germline.
Comment: The p.V15L variant (also known as c.43G>T), located in coding exon 1 of the SMARCB1 gene, results from a G to T substitution at nucleotide position 43. The valine at codon 15 is replaced by leucine, an amino acid with highly similar properties. This amino acid position is well conserved in available vertebrate species. In addition, this alteration is predicted to be tolerated by in silico analysis. Missense and in-frame variants in SMARCB1 are known to cause neurodevelopmental disorders; however, such associations with rhabdoid tumor predisposition syndrome are exceedingly rare (Kosho T et al. Am J Med Genet C Semin Med Genet. 2014 Sep;166C(3):262-75; Eaton KW et al. Pediatr Blood Cancer. 2011 Jan;56(1):7-15). Based on the supporting evidence, the association of this alteration with Coffin-Siris syndrome is unknown; however, the association of this alteration with rhabdoid tumor predisposition syndrome is unlikely.

NM_003073.5(SMARCB1):c.43G>T (p.Val15Leu)

Gene: SMARCB1 (SWI/SNF related BAF chromatin remodeling complex subunit B1; plus strand). Cytogenetic location: 22q11.23.
Variant type: single nucleotide variant.
Coding change: c.43G>T on transcript NM_003073.5 (MANE Select); coding-DNA position 43, G replaced by T.
Protein change: p.Val15Leu; replaces valine 15 with leucine.
Molecular consequence: missense variant.
Genome position (GRCh38, 1-based): chr22:23,787,212, G>T. VCF-style: chr22-23787212-G-T. GRCh37 (hg19) VCF-style: chr22-24129399-G-T.
Other names: c.43G>T, p.Val15Leu (NM_001007468.3, NM_001317946.2, NM_001362877.2); short protein forms V15L.
Identifiers: ClinVar variation 1740321 (VCV001740321.2), dbSNP rs1379787699, ClinGen allele CA410930659.